The following is an entry in ClinVar:

ClinVar aggregate classification (germline): Pathogenic (3 of 4 stars; one submission).

Conditions:
Phenylketonuria (PKU). Also called: OLIGOPHRENIA PHENYLPYRUVICA; Phenylketonuria (PKU); Phenylketonurias; FOLLING DISEASE. Identifiers: Orphanet 716, MedGen C0031485, MONDO:0009861, OMIM 261600. Disease mechanism: loss of function.

Allele frequency attached by ClinVar (database versions not stated): TOPMed 0.00001.

Submission:

ClinGen PAH Variant Curation Expert Panel
Classification: Pathogenic for Phenylketonuria. Last evaluated: 2020-07-24. Review status: reviewed by expert panel. Criteria: ClinGen PAH ACMG Specifications v1. Collection method: curation. Allele origin: germline. Inheritance: Autosomal recessive inheritance.
Comment: The c.912+1G>T variant is a canonical splice donor in PAH in which exon skipping disrupts the reading frame and is predicted to undergo nonsense mediated-decay. This variant is absent from population databases. In summary, c.912+1G>T in PAH meets criteria to be classified as pathogenic. PAH-specific ACMG/AMP criteria applied: PVS1, PM2, and PP4.

NM_000277.3(PAH):c.912+1G>T

Genes: PAH (phenylalanine hydroxylase; minus strand), LOC126861615 (CDK7 strongly-dependent group 2 enhancer GRCh37_chr12:103244689-103245888; plus strand). Cytogenetic location: 12q23.2.
Variant type: single nucleotide variant.
Coding change: c.912+1G>T on transcript NM_000277.3 (MANE Select); the canonical splice donor site of the intron after coding-DNA position 912, G replaced by T.
Molecular consequence: splice donor variant.
Genome position (GRCh38, 1-based): chr12:102,851,686, C>A on the plus strand (G>T on the coding strand, the complement: PAH is on the minus strand). VCF-style: chr12-102851686-C-A. GRCh37 (hg19) VCF-style: chr12-103245464-C-A.
Other names: c.912+1G>T (NM_001354304.2).
Identifiers: ClinVar variation 987762 (VCV000987762.1), dbSNP rs62514956, ClinGen allele CA16020895.